The following is an entry in ClinVar:

NM_001388459.1(FRMPD3):c.4051C>T (p.Arg1351Cys)

Gene: FRMPD3 (FERM and PDZ domain containing 3; plus strand). Cytogenetic location: Xq22.3.
Variant type: single nucleotide variant.
Coding change: c.4051C>T on transcript NM_001388459.1 (MANE Select); coding-DNA position 4051, C replaced by T.
Protein change: p.Arg1351Cys; replaces arginine 1351 with cysteine.
Molecular consequence: missense variant.
Genome position (GRCh38, 1-based): chrX:107,602,090, C>T. VCF-style: chrX-107602090-C-T. GRCh37 (hg19) VCF-style: chrX-106845320-C-T.
Other names: c.3646C>T, p.Arg1216Cys (NM_001388462.1); c.4150C>T, p.Arg1384Cys (NM_032428.2); short protein forms R1216C, R1351C, R1384C.
Identifiers: ClinVar variation 2661148 (VCV002661148.24), dbSNP rs750106183, ClinGen allele CA10485388.

ClinVar aggregate classification (germline): Likely benign (1 of 4 stars; one submission).

Allele frequency attached by ClinVar (database versions not stated): gnomAD exomes 0.00005; gnomAD 0.00007; TOPMed 0.00011; ExAC 0.00023; 1000 Genomes Project 0.00026; 1000 Genomes Project 30x 0.00042.
gnomAD v4.1: 67 of 1,204,741 alleles (0.0056%); highest among the groups gnomAD compares: East Asian, 0.14%; no homozygotes.

Submission:

CeGaT Center for Human Genetics Tuebingen
Classification: Likely benign. Last evaluated: 2023-01-01. Review status: criteria provided, single submitter. Criteria: CeGaT Center For Human Genetics Tuebingen Variant Classification Criteria Version 2. Collection method: clinical testing. Allele origin: germline. Affected: yes. Observed: 1 variant allele.
Comment: FRMPD3: BP4, BS2